The following is an entry in ClinVar:

ClinVar aggregate classification (germline): Likely benign. Review status: criteria provided, multiple submitters, no conflicts (2 of 4 stars). 3 submissions from 3 submitters: Likely benign (2). 1 of the submissions does not count toward it. Last evaluated 2019-12-31.

Conditions:
MCTP2-related disorder. Also called: MCTP2-related condition.

Allele frequency attached by ClinVar (database versions not stated): gnomAD exomes 0.00027 and 0.00064; ExAC 0.00029; TOPMed 0.00035; gnomAD 0.00037 and 0.00039; ESP Exome Variant Server 0.00038.
gnomAD v4.1: 973 of 1,613,932 alleles (0.06%); highest among the groups gnomAD compares: Non-Finnish European, 0.079%; no homozygotes.

Submissions (3):

Labcorp Genetics (formerly Invitae), Labcorp
Classification: Likely benign. Last evaluated: 2019-12-31. Review status: criteria provided, single submitter. Criteria: Invitae Variant Classification Sherloc (09022015). Collection method: clinical testing. Allele origin: germline.

Breakthrough Genomics
Classification: Likely benign. Review status: criteria provided, single submitter. Criteria: ACMG Guidelines, 2015. Collection method: not provided. Allele origin: germline. Inheritance: Unknown mechanism. Affected: yes.

PreventionGenetics, part of Exact Sciences
Classification: Likely benign for MCTP2-related condition. Last evaluated: 2019-07-16. Review status: no assertion criteria provided. Collection method: clinical testing. Allele origin: germline. Not counted in ClinVar's aggregate classification.
Comment: This variant is classified as likely benign based on ACMG/AMP sequence variant interpretation guidelines (Richards et al. 2015 PMID: 25741868, with internal and published modifications).

NM_001385001.1(MCTP2):c.2118A>G (p.Leu706=)

Gene: MCTP2 (multiple C2 and transmembrane domain containing 2; plus strand). Cytogenetic location: 15q26.2.
Variant type: single nucleotide variant.
Coding change: c.2118A>G on transcript NM_001385001.1 (MANE Select); coding-DNA position 2118, A replaced by G.
Protein change: p.Leu706=; no amino-acid change (leucine 706 retained).
Molecular consequence: synonymous variant. On other transcripts: non-coding transcript variant (5), intron variant (4).
Genome position (GRCh38, 1-based): chr15:94,440,208, A>G. VCF-style: chr15-94440208-A-G. GRCh37 (hg19) VCF-style: chr15-94983437-A-G.
Other names: c.2118A>G, p.Leu706= (NM_001385002.1, NM_001385003.1, NM_001385005.1 and 1 more transcripts); c.1836A>G, p.Leu612= (NM_001385007.1); c.1620A>G, p.Leu540= (NM_001385009.1); c.2086-17929A>G (NM_001159643.2, NM_001385004.1); c.2086-2711A>G (NM_001385006.1); c.1588-17929A>G (NM_001385010.1).
Identifiers: ClinVar variation 776946 (VCV000776946.7), dbSNP rs144829336, ClinGen allele CA7750319.